The following is an entry in ClinVar:

NM_012275.3(IL36RN):c.227C>T (p.Pro76Leu)

Gene: IL36RN (interleukin 36 receptor antagonist; plus strand). Cytogenetic location: 2q14.1.
Variant type: single nucleotide variant.
Coding change: c.227C>T on transcript NM_012275.3 (MANE Select); coding-DNA position 227, C replaced by T.
Protein change: p.Pro76Leu; replaces proline 76 with leucine.
Molecular consequence: missense variant.
Genome position (GRCh38, 1-based): chr2:113,062,235, C>T. VCF-style: chr2-113062235-C-T. GRCh37 (hg19) VCF-style: chr2-113819812-C-T.
Other names: p.Pro76Leu; c.227C>T, p.Pro76Leu (NM_173170.1); short protein forms P76L.
Identifiers: ClinVar variation 575254 (VCV000575254.60), dbSNP rs139497891, ClinGen allele CA1838389.

ClinVar aggregate classification (germline): Conflicting classifications of pathogenicity. Review status: criteria provided, conflicting classifications (1 of 4 stars). 9 submissions from 9 submitters: Pathogenic (3); Likely pathogenic (3); Uncertain significance (3). Last evaluated 2026-02-01.

Conditions:
IL36RN-related disorders.
Generalized pustular psoriasis. Identifiers: Orphanet 247353, MedGen C0343055, MONDO:0100491.
Acrodermatitis continua suppurativa of Hallopeau (PSORS14). Also called: INTERLEUKIN 36 RECEPTOR ANTAGONIST DEFICIENCY; Psoriasis 14, pustular; ACRODERMATITIS CONTINUA OF HALLOPEAU. Identifiers: Orphanet 163931, MedGen C0392439, MONDO:0013626, OMIM 614204.

Allele frequency attached by ClinVar (database versions not stated): gnomAD 0.00011 and 0.00017; TOPMed 0.00020; gnomAD exomes 0.00024 and 0.00029; ESP Exome Variant Server 0.00015; ExAC 0.00033; 1000 Genomes Project 30x 0.00062; 1000 Genomes Project 0.00080.
gnomAD v4.1: 378 of 1,613,982 alleles (0.023%); highest among the groups gnomAD compares: Middle Eastern, 0.066%; 2 homozygotes.

Submissions (9):

Labcorp Genetics (formerly Invitae), Labcorp
Classification: Uncertain significance for Generalized pustular psoriasis. Last evaluated: 2026-02-01. Review status: criteria provided, single submitter. Criteria: Invitae Variant Classification Sherloc (09022015). Collection method: clinical testing. Allele origin: germline.
Comment: This sequence change replaces proline, which is neutral and non-polar, with leucine, which is neutral and non-polar, at codon 76 of the IL36RN protein (p.Pro76Leu). This variant is present in population databases (rs139497891, gnomAD 0.09%). This missense change has been observed in individual(s) with generalized pustular psoriasis (PMID: 23648549, 23863864, 26589685, 27096382, 33729564, 34339530, 36577391). ClinVar contains an entry for this variant (Variation ID: 575254). An algorithm developed to predict the effect of missense changes on protein structure and function (PolyPhen-2) suggests that this variant is likely to be disruptive. Experimental studies have shown that this missense change affects IL36RN function (PMID: 27220475). In summary, the available evidence is currently insufficient to determine the role of this variant in disease. Therefore, it has been classified as a Variant of Uncertain Significance.

Dasa
Classification: Pathogenic. Last evaluated: 2025-07-28. Review status: criteria provided, single submitter. Criteria: DASA Assertion Criteria. Collection method: clinical testing. Allele origin: germline.
Comment: NM_012275.3(IL36RN):c.227C>T (p.Pro76Leu) is a missense variant that results in the substitution of proline with leucine. Segregation evidence has been reported in affected families. This variant has been observed in affected individuals with related phenotype in a genotype context consistent with recessive disease (PMID: 23648549; PMID: 23863864; PMID: 26589685; PMID: 27096382; PMID: 33729564). Functional evidence supports a deleterious effect on the gene or gene product (PMID: 23648549; PMID: 23863864; PMID: 26589685; PMID: 27096382; PMID: 33729564). This variant has been recurrently observed in individuals with related phenotype (PMID: 23648549; PMID: 23863864; PMID: 26589685; PMID: 27096382; PMID: 33729564). The variant is present at low frequency in population datasets. Based on the available data, this variant is classified as pathogenic.

Mayo Clinic Laboratories, Mayo Clinic
Classification: Uncertain significance. Last evaluated: 2025-02-12. Review status: criteria provided, single submitter. Criteria: ACMG Guidelines, 2015. Collection method: clinical testing. Allele origin: germline. Observed: 1 variant allele.
Comment: PM3_strong, PS3_supporting

Blueprint Genetics
Classification: Likely pathogenic for IL36RN-related disorders. Last evaluated: 2024-11-26. Review status: criteria provided, single submitter. Criteria: ACMG Guidelines, 2015. Collection method: clinical testing. Allele origin: germline. Affected: yes. Observed: 5 variant alleles.

Department of Pathology and Laboratory Medicine, Sinai Health System
Classification: Likely pathogenic for Acrodermatitis continua suppurativa of Hallopeau. Last evaluated: 2023-10-10. Review status: criteria provided, single submitter. Criteria: ACMG Guidelines, 2015. Collection method: research. Allele origin: germline.

Baylor Genetics
Classification: Pathogenic for Acrodermatitis continua suppurativa of Hallopeau. Last evaluated: 2020-06-10. Review status: criteria provided, single submitter. Criteria: ACMG Guidelines, 2015. Collection method: clinical testing. Allele origin: unknown. Affected: yes.
Comment: This variant was determined to be pathogenic according to ACMG Guidelines, 2015 [PMID:25741868].

Illumina Laboratory Services, Illumina
Classification: Likely pathogenic for Acrodermatitis continua suppurativa of Hallopeau. Last evaluated: 2019-01-09. Review status: criteria provided, single submitter. Criteria: ICSL Variant Classification Criteria 09 May 2019. Collection method: clinical testing. Allele origin: germline.
Comment: The IL36RN gene is one of at least three genes in which variants cause Generalized Pustular Psoriasis. The IL36RN c.227C>T (p.Pro76Leu) variant has been reported five studies and is found in a total of 12 probands including two in a homozygous state, two in a compound heterozygous state, and nine in a heterozygous state (Korber et al. 2013; Li et al. 2013; Mossner et al. 2015; Wang et al. 2015; Arakawa et al. 2016). Three of the heterozygotes also carried a homozygous pathogenic variant (Wang et al. 2015). The p.Pro76Leu variant was found in two of 1495 healthy controls and is reported at a frequency of 0.005376 in the Chinese Dai in Xishuangbanna population of the 1000 Genomes Project Database. In vitro analysis in HEK293T cells did not detect any IL-36Ra protein and found no reduction in NF-kB activity which is repressed in wildtype in association with the p.Pro76Leu variant (Tauber et al. 2016). This variant affects a highly conserved residue of the protein and causes an absence of protein product and function. Based on the available evidence, this variant is classified as likely pathogenic for generalized pustular psoriasis. This variant was observed by ICSL as part of a predisposition screen in an ostensibly healthy population.

CeGaT Center for Human Genetics Tuebingen
Classification: Uncertain significance. Last evaluated: 2017-08-01. Review status: criteria provided, single submitter. Criteria: CeGaT Center For Human Genetics Tuebingen Variant Classification Criteria Version 2. Collection method: clinical testing. Allele origin: germline. Affected: yes. Observed: 1 variant allele.

Juno Genomics, Hangzhou Juno Genomics, Inc
Classification: Pathogenic for Acrodermatitis continua suppurativa of Hallopeau. Review status: criteria provided, single submitter. Criteria: ACMG Guidelines, 2015. Collection method: clinical testing. Allele origin: germline.
Comment: Absent from controls (or at extremely low frequency if recessive) in Genome Aggregation Database.;For recessive disorders, detected in trans with a pathogenic variant.;Patient's phenotype or family history is highly specific for a disease with a single genetic etiology.;Well-established in vitro or in vivo functional studies supportive of a damaging effect on the gene or gene product.

Literature cited by the submitters: PubMed 23648549 (cited by 4 submitters); PubMed 23863864 (cited by 4 submitters); PubMed 26589685 (cited by 3 submitters); PubMed 27096382 (cited by 4 submitters); PubMed 33729564 (cited by 3 submitters); PubMed 34339530 (cited by 3 submitters); PubMed 36577391 (cited by Labcorp Genetics (formerly Invitae), Labcorp); PubMed 27220475 (cited by 4 submitters); PubMed 25989471 (cited by Mayo Clinic Laboratories, Mayo Clinic and Illumina Laboratory Services, Illumina); PubMed 26193622 (cited by Mayo Clinic Laboratories, Mayo Clinic); PubMed 35942351 (cited by Mayo Clinic Laboratories, Mayo Clinic); PubMed 36331855 (cited by Mayo Clinic Laboratories, Mayo Clinic); PubMed 36704338 (cited by Mayo Clinic Laboratories, Mayo Clinic); PubMed 37414245 (cited by Mayo Clinic Laboratories, Mayo Clinic); PubMed 38416455 (cited by Mayo Clinic Laboratories, Mayo Clinic).